The following is an entry in ClinVar:

NM_003036.4(SKI):c.2156G>A (p.Gly719Asp)

Gene: SKI (SKI proto-oncogene; plus strand). Cytogenetic location: 1p36.32.
Variant type: single nucleotide variant.
Coding change: c.2156G>A on transcript NM_003036.4 (MANE Select); coding-DNA position 2156, G replaced by A.
Protein change: p.Gly719Asp; replaces glycine 719 with aspartic acid.
Molecular consequence: missense variant.
Genome position (GRCh38, 1-based): chr1:2,306,734, G>A. VCF-style: chr1-2306734-G-A. GRCh37 (hg19) VCF-style: chr1-2238173-G-A.
Other names: short protein forms G719D.
Identifiers: ClinVar variation 3359441 (VCV003359441.1).

ClinVar aggregate classification (germline): Uncertain significance (1 of 4 stars; one submission).

Submission:

GeneDx
Classification: Uncertain significance. Last evaluated: 2023-06-03. Review status: criteria provided, single submitter. Criteria: GeneDx Variant Classification Process June 2021. Collection method: clinical testing. Allele origin: germline. Affected: yes.
Comment: Not observed at significant frequency in large population cohorts (gnomAD); In silico analysis supports that this missense variant does not alter protein structure/function; Has not been previously published as pathogenic or benign to our knowledge